The following is an entry in ClinVar:

ClinVar aggregate classification (germline): Pathogenic. Review status: criteria provided, multiple submitters, no conflicts (2 of 4 stars). 3 submissions from 3 submitters: Pathogenic (2). 1 of the submissions does not count toward it. Last evaluated 2025-10-23.

Conditions:
Cowden syndrome 3 (CWS3). Identifiers: Orphanet 201, MedGen CN166604, MONDO:0014045.
Carney-Stratakis syndrome. Also called: PARAGANGLIOMA AND GASTROINTESTINAL STROMAL TUMOR. Identifiers: Orphanet 97286, MedGen C1847319, MONDO:0011740, OMIM 606864.
Paragangliomas with sensorineural hearing loss. Identifiers: MedGen C1868633.
Pheochromocytoma. Also called: MAX-Related Hereditary Paraganglioma-Pheochromocytoma Syndrome. Identifiers: Orphanet 29072, MedGen C0031511, MONDO:0008233, OMIM 171300, HP:0002666.
Hereditary cancer-predisposing syndrome. Also called: Tumor predisposition; Hereditary neoplastic syndrome; Neoplastic Syndromes, Hereditary; Hereditary Cancer Syndrome. Identifiers: Orphanet 140162, MedGen C0027672, MeSH D009386, MONDO:0015356.
Hereditary pheochromocytoma and paraganglioma. Also called: Hereditary paragangliomas and pheochromocytomas; Hereditary Paraganglioma-Pheochromocytoma Syndromes; Hereditary pheochromocytoma-paraganglioma. Identifiers: Orphanet 29072, MedGen C4274332, MONDO:0017366.

Submissions (3):

Ambry Genetics
Classification: Pathogenic for Hereditary cancer-predisposing syndrome. Last evaluated: 2025-10-23. Review status: criteria provided, single submitter. Criteria: Ambry Variant Classification Scheme 2023. Collection method: clinical testing. Allele origin: germline.
Comment: The c.298_301delACTC pathogenic mutation, located in coding exon 3 of the SDHD gene, results from a deletion of 4 nucleotides at nucleotide positions 298 to 301, causing a translational frameshift with a predicted alternate stop codon (p.T100Ffs*34). This alteration occurs at the 3' terminus of the gene, is not expected to trigger nonsense-mediated mRNA decay, and impacts the last 37.5% of the protein. However, premature stop codons are typically deleterious in nature and a significant portion of the protein is affected and the impacted region is critical for protein function (Ambry internal data). This variant was reported in individual(s) with features consistent with SDHD-related hereditary pheochromocytoma-paraganglioma (Xekouki P et al. J Clin Endocrinol Metab, 2012 Mar;97:E357-66). This variant is considered to be rare based on population cohorts in the Genome Aggregation Database (gnomAD). Based on the supporting evidence, this variant is interpreted as a disease-causing mutation.

Labcorp Genetics (formerly Invitae), Labcorp
Classification: Pathogenic for Carney-Stratakis syndrome; Paragangliomas with sensorineural hearing loss; Pheochromocytoma; Cowden syndrome 3. Last evaluated: 2022-02-20. Review status: criteria provided, single submitter. Criteria: Invitae Variant Classification Sherloc (09022015). Collection method: clinical testing. Allele origin: germline.
Comment: This variant is not present in population databases (gnomAD no frequency). This sequence change creates a premature translational stop signal (p.Thr100Phefs*34) in the SDHD gene. While this is not anticipated to result in nonsense mediated decay, it is expected to disrupt the last 60 amino acid(s) of the SDHD protein. This premature translational stop signal has been observed in individual(s) with paragangliomas and pheochromocytomas (PMID: 22170724). ClinVar contains an entry for this variant (Variation ID: 186590). This variant disrupts a region of the SDHD protein in which other variant(s) (p.Leu128Phefs*7) have been determined to be pathogenic (PMID: 11897817). This suggests that this is a clinically significant region of the protein, and that variants that disrupt it are likely to be disease-causing. For these reasons, this variant has been classified as Pathogenic.

Section on Medical Neuroendocrinolgy, National Institutes of Health
Classification: Likely pathogenic for Hereditary pheochromocytoma and paraganglioma. Review status: no assertion criteria provided. Collection method: research. Allele origin: germline. Affected: yes. Not counted in ClinVar's aggregate classification.

Literature cited by the submitters: PubMed 22170724 (cited by Ambry Genetics and Labcorp Genetics (formerly Invitae), Labcorp); PubMed 11897817 (cited by Labcorp Genetics (formerly Invitae), Labcorp).

NM_003002.4(SDHD):c.298_301del (p.Thr100fs)

Gene: SDHD (succinate dehydrogenase complex subunit D; plus strand). Cytogenetic location: 11q23.1.
Variant type: Deletion.
Coding change: c.298_301del on transcript NM_003002.4 (MANE Select); coding-DNA positions 298 to 301, 4 bases deleted (ACTC; older notation c.298_301delACTC).
Protein change: p.Thr100fs; shifts the reading frame from threonine 100.
Molecular consequence: frameshift variant. On other transcripts: non-coding transcript variant (1), intron variant (1).
Genome position (GRCh38, 1-based): chr11:112,088,995-112,088,998, ACTC deleted; deleting any 4 consecutive bases within chr11:112,088,992-112,088,998 gives the same sequence; the c. name uses the placement nearest the transcript's 3' end. VCF-style (leftmost placement, unchanged base first): chr11-112088991-CCTCA-C. GRCh37 (hg19) VCF-style: chr11-111959715-CCTCA-C.
Other names: c.181_184del, p.Thr61fs (NM_001276504.2); c.298_301del, p.Thr100fs (NM_001276506.2); c.169+1022_169+1025del (NM_001276503.2); short protein forms T100fs, T61fs.
Identifiers: ClinVar variation 186590 (VCV000186590.16), dbSNP rs786203067, ClinGen allele CA016654.